The following is an entry in ClinVar:

NM_022437.3(ABCG8):c.896A>G (p.His299Arg)

Gene: ABCG8 (ATP binding cassette subfamily G member 8; plus strand). Cytogenetic location: 2p21.
Variant type: single nucleotide variant.
Coding change: c.896A>G on transcript NM_022437.3 (MANE Select); coding-DNA position 896, A replaced by G.
Protein change: p.His299Arg; replaces histidine 299 with arginine.
Molecular consequence: missense variant.
Genome position (GRCh38, 1-based): chr2:43,852,800, A>G. VCF-style: chr2-43852800-A-G. GRCh37 (hg19) VCF-style: chr2-44079939-A-G.
Other names: p.His299Arg; c.896A>G, p.His299Arg (NM_001357321.2); short protein forms H299R.
Identifiers: ClinVar variation 3380804 (VCV003380804.1).

ClinVar aggregate classification (germline): Uncertain significance (1 of 4 stars; one submission).

gnomAD v4.1: 1 of 1,614,130 alleles (0.000062%); highest among the groups gnomAD compares: South Asian, 0.0011%; no homozygotes.

Submission:

Mayo Clinic Laboratories, Mayo Clinic
Classification: Uncertain significance. Last evaluated: 2024-08-14. Review status: criteria provided, single submitter. Criteria: ACMG Guidelines, 2015. Collection method: clinical testing. Allele origin: germline. Observed: 1 variant allele.
Comment: BP4, PM2